The following is an entry in ClinVar:

NM_000059.4(BRCA2):c.6838G>C (p.Val2280Leu)

Gene: BRCA2 (BRCA2 DNA repair associated; plus strand). Cytogenetic location: 13q13.1.
Variant type: single nucleotide variant.
Coding change: c.6838G>C on transcript NM_000059.4 (MANE Select); coding-DNA position 6838, G replaced by C.
Protein change: p.Val2280Leu; replaces valine 2280 with leucine.
Molecular consequence: missense variant. On other transcripts: non-coding transcript variant (1), intron variant (2).
Genome position (GRCh38, 1-based): chr13:32,341,193, G>C. VCF-style: chr13-32341193-G-C. GRCh37 (hg19) VCF-style: chr13-32915330-G-C.
Other names: c.6838G>C, p.Val2280Leu (NM_001406719.1, NM_001406720.1, NM_001432077.1); c.1910-3365G>C (NM_001406721.1); c.425-3365G>C (NM_001406722.1); short protein forms V2280L.
Identifiers: ClinVar variation 4757229 (VCV004757229.1).

ClinVar aggregate classification (germline): Uncertain significance (1 of 4 stars; one submission).

Conditions:
Hereditary cancer-predisposing syndrome. Also called: Tumor predisposition; Hereditary Cancer Syndrome; Neoplastic Syndromes, Hereditary; Hereditary neoplastic syndrome. Identifiers: Orphanet 140162, MedGen C0027672, MeSH D009386, MONDO:0015356.

Submission:

Color Diagnostics, LLC DBA Color Health
Classification: Uncertain significance for Hereditary cancer-predisposing syndrome. Last evaluated: 2025-06-09. Review status: criteria provided, single submitter. Criteria: ACMG Guidelines, 2015. Collection method: clinical testing. Allele origin: germline.
Comment: This missense variant replaces valine with leucine at codon 2280 of the BRCA2 protein. Computational prediction suggests that this variant may not impact protein structure and function. To our knowledge, functional studies have not been reported for this variant. This variant has not been reported in individuals affected with BRCA2-related disorders in the literature. This variant has not been identified in the general population by the Genome Aggregation Database (gnomAD). The available evidence is insufficient to determine the role of this variant in disease conclusively. Therefore, this variant is classified as a Variant of Uncertain Significance.